The following is an entry in ClinVar:

ClinVar aggregate classification (germline): Uncertain significance (1 of 4 stars; one submission).

Submission:

Labcorp Genetics (formerly Invitae), Labcorp
Classification: Uncertain significance. Last evaluated: 2022-11-24. Review status: criteria provided, single submitter. Criteria: Invitae Variant Classification Sherloc (09022015). Collection method: clinical testing. Allele origin: germline.
Comment: This sequence change replaces proline, which is neutral and non-polar, with glutamine, which is neutral and polar, at codon 2689 of the FAT2 protein (p.Pro2689Gln). This variant is not present in population databases (gnomAD no frequency). This variant has not been reported in the literature in individuals affected with FAT2-related conditions. Algorithms developed to predict the effect of missense changes on protein structure and function (SIFT, PolyPhen-2, Align-GVGD) all suggest that this variant is likely to be disruptive. In summary, the available evidence is currently insufficient to determine the role of this variant in disease. Therefore, it has been classified as a Variant of Uncertain Significance.

NM_001447.3(FAT2):c.8066C>A (p.Pro2689Gln)

Genes: FAT2 (FAT atypical cadherin 2; minus strand), SLC36A1 (solute carrier family 36 member 1; plus strand). Cytogenetic location: 5q33.1.
Variant type: single nucleotide variant.
Coding change: c.8066C>A on transcript NM_001447.3 (MANE Select); coding-DNA position 8066, C replaced by A.
Protein change: p.Pro2689Gln; replaces proline 2689 with glutamine.
Molecular consequence: missense variant.
Genome position (GRCh38, 1-based): chr5:151,543,061, G>T on the plus strand (C>A on the coding strand, the complement: FAT2 is on the minus strand). VCF-style: chr5-151543061-G-T. GRCh37 (hg19) VCF-style: chr5-150922622-G-T.
Other names: short protein forms P2689Q.
Identifiers: ClinVar variation 2816519 (VCV002816519.3), dbSNP rs200950855, ClinGen allele CA361832853.